The following is an entry in ClinVar:

NM_006206.6(PDGFRA):c.2657G>A (p.Trp886Ter)

Gene: PDGFRA (platelet derived growth factor receptor alpha; plus strand). Cytogenetic location: 4q12.
Variant type: single nucleotide variant.
Coding change: c.2657G>A on transcript NM_006206.6 (MANE Select); coding-DNA position 2657, G replaced by A.
Protein change: p.Trp886Ter; replaces tryptophan 886 with a stop codon.
Molecular consequence: nonsense.
Genome position (GRCh38, 1-based): chr4:54,287,524, G>A. VCF-style: chr4-54287524-G-A. GRCh37 (hg19) VCF-style: chr4-55153691-G-A.
Other names: c.2732G>A, p.Trp911Ter (NM_001347828.2); c.2657G>A, p.Trp886Ter (NM_001347829.2); c.2696G>A, p.Trp899Ter (NM_001347830.2); short protein forms W886*, W899*, W911*.
Identifiers: ClinVar variation 951374 (VCV000951374.8), dbSNP rs1724417532, ClinGen allele CA356895341.

ClinVar aggregate classification (germline): Uncertain significance (1 of 4 stars; one submission).

Conditions:
Gastrointestinal stromal tumor. Also called: Gastrointestinal stromal tumor, somatic; Gastrointestinal stroma tumor. Identifiers: Orphanet 44890, MedGen C0238198, MeSH D046152, MONDO:0011719, OMIM 606764, HP:0100723.

Submission:

Labcorp Genetics (formerly Invitae), Labcorp
Classification: Uncertain significance for Gastrointestinal stromal tumor. Last evaluated: 2019-06-05. Review status: criteria provided, single submitter. Criteria: Invitae Variant Classification Sherloc (09022015). Collection method: clinical testing. Allele origin: germline.
Comment: In summary, the available evidence is currently insufficient to determine the role of this variant in disease. Therefore, it has been classified as a Variant of Uncertain Significance. The current clinical and genetic evidence is not sufficient to establish whether loss-of-function variants in PDGFRA cause disease. Algorithms developed to predict the effect of sequence changes on RNA splicing suggest that this variant may create or strengthen a splice site, but this prediction has not been confirmed by published transcriptional studies. This variant has not been reported in the literature in individuals with PDGFRA-related conditions. This variant is not present in population databases (ExAC no frequency). This sequence change creates a premature translational stop signal (p.Trp886*) in the PDGFRA gene. It is expected to result in an absent or disrupted protein product.